The following is an entry in ClinVar:

ClinVar aggregate classification (germline): Uncertain significance. Review status: criteria provided, multiple submitters, no conflicts (2 of 4 stars). 4 submissions from 3 submitters: Uncertain significance (4). Last evaluated 2022-06-24.

Conditions:
Primary immunodeficiency with post-measles-mumps-rubella vaccine viral infection. Also called: Immunodeficiency 44. Identifiers: Orphanet 431166, MedGen C4225260, MONDO:0014715, OMIM 616636.
Inborn genetic diseases. Identifiers: MedGen C0950123, MeSH D030342.
Pseudo-TORCH syndrome 3. Identifiers: MedGen C5394391, MONDO:0030044, OMIM 618886.

Submissions (4):

Ambry Genetics
Classification: Uncertain significance for Inborn genetic diseases. Last evaluated: 2022-06-24. Review status: criteria provided, single submitter. Criteria: Ambry Variant Classification Scheme 2023. Collection method: clinical testing. Allele origin: germline.

Labcorp Genetics (formerly Invitae), Labcorp
Classification: Uncertain significance for Primary immunodeficiency with post-measles-mumps-rubella vaccine viral infection. Last evaluated: 2021-11-29. Review status: criteria provided, single submitter. Criteria: Invitae Variant Classification Sherloc (09022015). Collection method: clinical testing. Allele origin: germline.
Comment: In summary, the available evidence is currently insufficient to determine the role of this variant in disease. Therefore, it has been classified as a Variant of Uncertain Significance. Algorithms developed to predict the effect of missense changes on protein structure and function output the following: SIFT: "Tolerated"; PolyPhen-2: "Benign"; Align-GVGD: "Class C0". The glycine amino acid residue is found in multiple mammalian species, which suggests that this missense change does not adversely affect protein function. ClinVar contains an entry for this variant (Variation ID: 626024). This variant has not been reported in the literature in individuals affected with STAT2-related conditions. This variant is not present in population databases (gnomAD no frequency). This sequence change replaces serine, which is neutral and polar, with glycine, which is neutral and non-polar, at codon 12 of the STAT2 protein (p.Ser12Gly).

Center for Genomics, Ann and Robert H. Lurie Children's Hospital of Chicago
Classification: Uncertain significance for Primary immunodeficiency with post-measles-mumps-rubella vaccine viral infection. Last evaluated: 2017-10-10. Review status: criteria provided, single submitter. Criteria: ACMG Guidelines, 2015. Collection method: clinical testing. Allele origin: germline.
Comment: STAT2 NM_005419.3 exon 2 p.Ser12Gly (c.34A>G): This variant has not been reported in the literature and is not present in large control databases. Evolutionary conservation and computational predictive tools suggest that this variant may not impact the protein. In summary, data on this variant is insufficient for disease classification. Therefore, the clinical significance of this variant is uncertain.

Center for Genomics, Ann and Robert H. Lurie Children's Hospital of Chicago
Classification: Uncertain significance for Pseudo-TORCH syndrome 3; Primary immunodeficiency with post-measles-mumps-rubella vaccine viral infection. Review status: criteria provided, single submitter. Criteria: ACMG Guidelines, 2015. Collection method: clinical testing. Allele origin: germline.
Comment: STAT2 NM_005419 exon 2 p.Ser12Gly (c.34A>G): This variant has not been reported in the literature and is not present in large control databases. Evolutionary conservation and computational predictive tools suggest that this variant may not impact the protein. In summary, data on this variant is insufficient for disease classification. Therefore, the clinical significance of this variant is uncertain.

NM_005419.4(STAT2):c.34A>G (p.Ser12Gly)

Gene: STAT2 (signal transducer and activator of transcription 2; minus strand). Cytogenetic location: 12q13.3.
Variant type: single nucleotide variant.
Coding change: c.34A>G on transcript NM_005419.4 (MANE Select); coding-DNA position 34, A replaced by G.
Protein change: p.Ser12Gly; replaces serine 12 with glycine.
Molecular consequence: missense variant.
Genome position (GRCh38, 1-based): chr12:56,356,538, T>C on the plus strand (A>G on the coding strand, the complement: STAT2 is on the minus strand). VCF-style: chr12-56356538-T-C. GRCh37 (hg19) VCF-style: chr12-56750322-T-C.
Other names: c.34A>G, p.Ser12Gly (LRG_1329t1, NM_198332.2); c.34A>G (NM_005419.3); short protein forms S12G.
Identifiers: ClinVar variation 626024 (VCV000626024.9), dbSNP rs1565660719, ClinGen allele CA385264280.